The following is an entry in ClinVar:

NM_145290.4(ADGRA3):c.20G>A (p.Arg7Gln)

Gene: ADGRA3 (adhesion G protein-coupled receptor A3; minus strand). Cytogenetic location: 4p15.2.
Variant type: single nucleotide variant.
Coding change: c.20G>A on transcript NM_145290.4 (MANE Select); coding-DNA position 20, G replaced by A.
Protein change: p.Arg7Gln; replaces arginine 7 with glutamine.
Molecular consequence: missense variant.
Genome position (GRCh38, 1-based): chr4:22,515,765, C>T on the plus strand (G>A on the coding strand, the complement: ADGRA3 is on the minus strand). VCF-style: chr4-22515765-C-T. GRCh37 (hg19) VCF-style: chr4-22517388-C-T.
Other names: c.20G>A (NM_145290.2, NM_145290.3); short protein forms R7Q.
Identifiers: ClinVar variation 1057650 (VCV001057650.10), dbSNP rs886775748, ClinGen allele CA94061047.

ClinVar aggregate classification (germline): Conflicting classifications of pathogenicity. Review status: criteria provided, conflicting classifications (1 of 4 stars). 3 submissions from 3 submitters: Uncertain significance (2); Likely benign (1). Last evaluated 2026-01-14.

Conditions:
ADGRA3-related disorder. Also called: ADGRA3-related condition.

Allele frequency attached by ClinVar (database versions not stated): gnomAD exomes 0.00050; gnomAD 0.00099 and 0.00109; 1000 Genomes Project 30x 0.00109.
gnomAD v4.1: 205 of 1,020,016 alleles (0.02%); highest among the groups gnomAD compares: African/African-American, 0.32%; no homozygotes.

Submissions (3):

PreventionGenetics, part of Exact Sciences
Classification: Likely benign for ADGRA3-related condition. Last evaluated: 2026-01-14. Review status: criteria provided, single submitter. Criteria: ACMG Guidelines, 2015. Collection method: clinical testing. Allele origin: germline.
Comment: This variant is classified as likely benign based on ACMG/AMP sequence variant interpretation guidelines (Richards et al. 2015 PMID: 25741868, with internal and published modifications).

Labcorp Genetics (formerly Invitae), Labcorp
Classification: Uncertain significance. Last evaluated: 2025-12-11. Review status: criteria provided, single submitter. Criteria: Invitae Variant Classification Sherloc (09022015). Collection method: clinical testing. Allele origin: germline.
Comment: This sequence change replaces arginine, which is basic and polar, with glutamine, which is neutral and polar, at codon 7 of the ADGRA3 protein (p.Arg7Gln). The frequency data for this variant in the population databases is considered unreliable, as metrics indicate poor data quality at this position in the gnomAD database. This variant has not been reported in the literature in individuals affected with ADGRA3-related conditions. ClinVar contains an entry for this variant (Variation ID: 1057650). Experimental studies and prediction algorithms are not available or were not evaluated, and the functional significance of this variant is currently unknown. In summary, the available evidence is currently insufficient to determine the role of this variant in disease. Therefore, it has been classified as a Variant of Uncertain Significance.

Ambry Genetics
Classification: Uncertain significance. Last evaluated: 2025-08-02. Review status: criteria provided, single submitter. Criteria: Ambry Variant Classification Scheme 2023. Collection method: clinical testing. Allele origin: germline.